The following is an entry in ClinVar:

NM_001165963.4(SCN1A):c.7C>T (p.Gln3Ter)

Gene: SCN1A (sodium voltage-gated channel alpha subunit 1; minus strand). Cytogenetic location: 2q24.3.
Variant type: single nucleotide variant.
Coding change: c.7C>T on transcript NM_001165963.4 (MANE Select); coding-DNA position 7, C replaced by T.
Protein change: p.Gln3Ter; replaces glutamine 3 with a stop codon.
Molecular consequence: nonsense. On other transcripts: 5 prime UTR variant (1), non-coding transcript variant (1).
Genome position (GRCh38, 1-based): chr2:166,073,615, G>A on the plus strand (C>T on the coding strand, the complement: SCN1A is on the minus strand). VCF-style: chr2-166073615-G-A. GRCh37 (hg19) VCF-style: chr2-166930125-G-A.
Other names: c.7C>T, p.Gln3Ter (NM_001165964.3, NM_001202435.3, NM_001353948.2 and 10 more transcripts); c.-2419C>T (NM_001353961.2); short protein forms Q3*.
Identifiers: ClinVar variation 2203207 (VCV002203207.6), dbSNP rs924198007, ClinGen allele CA349243507.

ClinVar aggregate classification (germline): Pathogenic. Review status: criteria provided, multiple submitters, no conflicts (2 of 4 stars). 2 submissions from 2 submitters: Pathogenic (2). Last evaluated 2024-05-14.

Conditions:
Early-infantile DEE. Also called: Early infantile epileptic encephalopathy; Early infantile epileptic encephalopathy with suppression bursts; Ohtahara syndrome. Identifiers: Orphanet 1934, MedGen C0393706, MONDO:0800491.
Severe myoclonic epilepsy in infancy (DRVT). Also called: Dravet syndrome; Severe Myoclonic Epilepsy in Infancy (SMEI); Epileptic encephalopathy, early infantile, 6 (Dravet syndrome); SEVERE MYOCLONIC EPILEPSY OF INFANCY; DEVELOPMENTAL AND EPILEPTIC ENCEPHALOPATHY 6A. Identifiers: Orphanet 33069, MedGen C0751122, MONDO:0100135, OMIM 607208.

Submissions (2):

Institute of Human Genetics, University of Leipzig Medical Center
Classification: Pathogenic for Severe myoclonic epilepsy in infancy. Last evaluated: 2024-05-14. Review status: criteria provided, single submitter. Criteria: ACMG Guidelines, 2015. Collection method: clinical testing. Allele origin: unknown. Inheritance: Autosomal dominant inheritance. Affected: yes.
Comment: Criteria applied: PVS1_STR,PS2,PS4_MOD,PM2_SUP

Labcorp Genetics (formerly Invitae), Labcorp
Classification: Pathogenic for Early-infantile DEE. Last evaluated: 2022-07-15. Review status: criteria provided, single submitter. Criteria: Invitae Variant Classification Sherloc (09022015). Collection method: clinical testing. Allele origin: germline.
Comment: This variant is not present in population databases (gnomAD no frequency). This sequence change creates a premature translational stop signal (p.Gln3*) in the SCN1A gene. It is expected to result in an absent or disrupted protein product. Loss-of-function variants in SCN1A are known to be pathogenic (PMID: 17347258, 18930999). This premature translational stop signal has been observed in individual(s) with Dravet syndrome and/or severe myoclonic epilepsy of infancy (PMID: 12754708, 21868258). For these reasons, this variant has been classified as Pathogenic.

Literature cited by the submitters: PubMed 17347258 (cited by Labcorp Genetics (formerly Invitae), Labcorp); PubMed 18930999 (cited by Labcorp Genetics (formerly Invitae), Labcorp); PubMed 12754708 (cited by Labcorp Genetics (formerly Invitae), Labcorp); PubMed 21868258 (cited by Labcorp Genetics (formerly Invitae), Labcorp).